The following is an entry in ClinVar:

ClinVar aggregate classification (germline): Uncertain significance. Review status: criteria provided, multiple submitters, no conflicts (2 of 4 stars). 3 submissions from 3 submitters: Uncertain significance (3). Last evaluated 2025-01-23.

Conditions:
Neurofibromatosis, type 1 (NF1). Also called: Neurofibromatosis, type I; Peripheral type neurofibromatosis; VON RECKLINGHAUSEN DISEASE; NEUROFIBROMATOSIS, TYPE I, SOMATIC. Identifiers: Orphanet 636, MedGen C0027831, MONDO:0018975, OMIM 162200. Disease mechanism: loss of function.
Hereditary cancer-predisposing syndrome. Also called: Neoplastic Syndromes, Hereditary; Hereditary Cancer Syndrome; Hereditary neoplastic syndrome; Tumor predisposition. Identifiers: Orphanet 140162, MedGen C0027672, MeSH D009386, MONDO:0015356.
Cardiovascular phenotype. Identifiers: MedGen CN230736.

Submissions (3):

Ambry Genetics
Classification: Uncertain significance for Cardiovascular phenotype; Hereditary cancer-predisposing syndrome. Last evaluated: 2025-01-23. Review status: criteria provided, single submitter. Criteria: Ambry Variant Classification Scheme 2023. Collection method: clinical testing. Allele origin: germline.
Comment: The p.Q2213R variant (also known as c.6638A>G), located in coding exon 43 of the NF1 gene, results from an A to G substitution at nucleotide position 6638. The glutamine at codon 2213 is replaced by arginine, an amino acid with highly similar properties. This amino acid position is highly conserved in available vertebrate species. In addition, the in silico prediction for this alteration is inconclusive. Based on the available evidence, the clinical significance of this variant remains unclear.

Labcorp Genetics (formerly Invitae), Labcorp
Classification: Uncertain significance for Neurofibromatosis, type 1. Last evaluated: 2022-10-24. Review status: criteria provided, single submitter. Criteria: Invitae Variant Classification Sherloc (09022015). Collection method: clinical testing. Allele origin: germline.
Comment: Advanced modeling of protein sequence and biophysical properties (such as structural, functional, and spatial information, amino acid conservation, physicochemical variation, residue mobility, and thermodynamic stability) performed at Invitae indicates that this missense variant is not expected to disrupt NF1 protein function. In summary, the available evidence is currently insufficient to determine the role of this variant in disease. Therefore, it has been classified as a Variant of Uncertain Significance. ClinVar contains an entry for this variant (Variation ID: 826523). This variant has not been reported in the literature in individuals affected with NF1-related conditions. This variant is not present in population databases (gnomAD no frequency). This sequence change replaces glutamine, which is neutral and polar, with arginine, which is basic and polar, at codon 2213 of the NF1 protein (p.Gln2213Arg).

Genome-Nilou Lab
Classification: Uncertain significance for Neurofibromatosis, type 1. Last evaluated: 2022-03-15. Review status: criteria provided, single submitter. Criteria: ACMG Guidelines, 2015. Collection method: clinical testing. Allele origin: germline. Affected: no.

NM_001042492.3(NF1):c.6701A>G (p.Gln2234Arg)

Gene: NF1 (neurofibromin 1; plus strand). Cytogenetic location: 17q11.2.
Variant type: single nucleotide variant.
Coding change: c.6701A>G on transcript NM_001042492.3 (MANE Select); coding-DNA position 6701, A replaced by G.
Protein change: p.Gln2234Arg; replaces glutamine 2234 with arginine.
Molecular consequence: missense variant.
Genome position (GRCh38, 1-based): chr17:31,337,877, A>G. VCF-style: chr17-31337877-A-G. GRCh37 (hg19) VCF-style: chr17-29664895-A-G.
Other names: c.6638A>G, p.Gln2213Arg (NM_000267.4); short protein forms Q2234R, Q2213R.
Identifiers: ClinVar variation 826523 (VCV000826523.11), dbSNP rs1597844689, ClinGen allele CA399013955.